The following is an entry in ClinVar:

NM_000096.4(CP):c.1019A>G (p.Asn340Ser)

Gene: CP (ceruloplasmin; minus strand). Cytogenetic location: 3q25.1.
Variant type: single nucleotide variant.
Coding change: c.1019A>G on transcript NM_000096.4 (MANE Select); coding-DNA position 1019, A replaced by G.
Protein change: p.Asn340Ser; replaces asparagine 340 with serine.
Molecular consequence: missense variant. On other transcripts: non-coding transcript variant (1).
Genome position (GRCh38, 1-based): chr3:149,207,380, T>C on the plus strand (A>G on the coding strand, the complement: CP is on the minus strand). VCF-style: chr3-149207380-T-C. GRCh37 (hg19) VCF-style: chr3-148925167-T-C.
Other names: short protein forms N340S.
Identifiers: ClinVar variation 2021701 (VCV002021701.4), dbSNP rs2472845028, ClinGen allele CA354913795.
Genomic context (GRCh38, chr3:149,207,380, plus strand): 5'-ACCTTTTTCAGCTGACTGCTAATTTCAGGTAAAGATGTCCTACCTTTCAGATGGTTTAGA[T>C]TCTGACAGCTGAGCATCCATTCTCCAGGGTTCTGGGCCACCATATAAGCATCAAACAGGG-3'
Protein context (NP_000087.2, residues 330-350): NPGEWMLSCQ[Asn340Ser]LNHLKAGLQA

ClinVar aggregate classification (germline): Uncertain significance (1 of 4 stars; one submission).

Conditions:
Deficiency of ferroxidase (ACEP). Also called: Aceruloplasminemia; NEURODEGENERATION WITH BRAIN IRON ACCUMULATION 10; Ceruloplasmin deficiency; Familial apoceruloplasmin deficiency; Hereditary ceruloplasmin deficiency; Deficiency of ceruloplasmin. Identifiers: Orphanet 48818, MedGen C0878682, MONDO:0011426, OMIM 604290, HP:0025498.

Submission:

Labcorp Genetics (formerly Invitae), Labcorp
Classification: Uncertain significance for Deficiency of ferroxidase. Last evaluated: 2025-04-29. Review status: criteria provided, single submitter. Criteria: Invitae Variant Classification Sherloc (09022015). Collection method: clinical testing. Allele origin: germline.
Comment: This sequence change replaces asparagine, which is neutral and polar, with serine, which is neutral and polar, at codon 340 of the CP protein (p.Asn340Ser). This variant is not present in population databases (gnomAD no frequency). This variant has not been reported in the literature in individuals affected with CP-related conditions. ClinVar contains an entry for this variant (Variation ID: 2021701). Invitae Evidence Modeling of protein sequence and biophysical properties (such as structural, functional, and spatial information, amino acid conservation, physicochemical variation, residue mobility, and thermodynamic stability) indicates that this missense variant is not expected to disrupt CP protein function with a negative predictive value of 80%. In summary, the available evidence is currently insufficient to determine the role of this variant in disease. Therefore, it has been classified as a Variant of Uncertain Significance.